The following is an entry in ClinVar:

ClinVar aggregate classification (germline): Uncertain significance. Review status: criteria provided, multiple submitters, no conflicts (2 of 4 stars). 2 submissions from 2 submitters: Uncertain significance (2). Last evaluated 2024-04-07.

Conditions:
Hereditary cancer-predisposing syndrome. Also called: Tumor predisposition; Hereditary neoplastic syndrome; Neoplastic Syndromes, Hereditary; Hereditary Cancer Syndrome. Identifiers: Orphanet 140162, MedGen C0027672, MeSH D009386, MONDO:0015356.
Familial adenomatous polyposis 1 (FAP1). Also called: POLYPOSIS, ADENOMATOUS INTESTINAL; FAMILIAL ADENOMATOUS POLYPOSIS 1, ATTENUATED. Identifiers: MedGen C2713442, MONDO:0021056, OMIM 175100. Disease mechanism: loss of function.

Allele frequency attached by ClinVar (database versions not stated): gnomAD exomes below 0.00001.
gnomAD v4.1: 1 of 1,614,068 alleles (0.000062%); highest among the groups gnomAD compares: East Asian, 0.0022%; no homozygotes.

Submissions (2):

Labcorp Genetics (formerly Invitae), Labcorp
Classification: Uncertain significance for Familial adenomatous polyposis 1. Last evaluated: 2024-04-07. Review status: criteria provided, single submitter. Criteria: Invitae Variant Classification Sherloc (09022015). Collection method: clinical testing. Allele origin: germline.
Comment: This sequence change replaces serine, which is neutral and polar, with proline, which is neutral and non-polar, at codon 1656 of the APC protein (p.Ser1656Pro). This variant is not present in population databases (gnomAD no frequency). This variant has not been reported in the literature in individuals affected with APC-related conditions. ClinVar contains an entry for this variant (Variation ID: 665180). Advanced modeling of protein sequence and biophysical properties (such as structural, functional, and spatial information, amino acid conservation, physicochemical variation, residue mobility, and thermodynamic stability) performed at Invitae indicates that this missense variant is not expected to disrupt APC protein function with a negative predictive value of 95%. In summary, the available evidence is currently insufficient to determine the role of this variant in disease. Therefore, it has been classified as a Variant of Uncertain Significance.

Ambry Genetics
Classification: Uncertain significance for Hereditary cancer-predisposing syndrome. Last evaluated: 2023-04-16. Review status: criteria provided, single submitter. Criteria: Ambry Variant Classification Scheme 2023. Collection method: clinical testing. Allele origin: germline.
Comment: The p.S1656P variant (also known as c.4966T>C), located in coding exon 15 of the APC gene, results from a T to C substitution at nucleotide position 4966. The serine at codon 1656 is replaced by proline, an amino acid with similar properties. This amino acid position is conserved. In addition, in silico predictors for this gene do not accurately predict pathogenicity. Since supporting evidence is limited at this time, the clinical significance of this alteration remains unclear.

NM_000038.6(APC):c.4966T>C (p.Ser1656Pro)

Gene: APC (APC regulator of Wnt signaling pathway; plus strand). Cytogenetic location: 5q22.2.
Variant type: single nucleotide variant.
Coding change: c.4966T>C on transcript NM_000038.6 (MANE Select); coding-DNA position 4966, T replaced by C.
Protein change: p.Ser1656Pro; replaces serine 1656 with proline.
Molecular consequence: missense variant.
Genome position (GRCh38, 1-based): chr5:112,840,560, T>C. VCF-style: chr5-112840560-T-C. GRCh37 (hg19) VCF-style: chr5-112176257-T-C.
Other names: c.4966T>C, p.Ser1656Pro (NM_001127510.3, NM_001354895.2); c.4912T>C, p.Ser1638Pro (NM_001127511.3); c.5020T>C, p.Ser1674Pro (NM_001354896.2); c.4996T>C, p.Ser1666Pro (NM_001354897.2); c.4891T>C, p.Ser1631Pro (NM_001354898.2); c.4882T>C, p.Ser1628Pro (NM_001354899.2); c.4843T>C, p.Ser1615Pro (NM_001354900.2); c.4789T>C, p.Ser1597Pro (NM_001354901.2); and 5 more; short protein forms S1565P, S1615P, S1674P, S1373P, S1555P, S1631P, S1638P, S1666P.
Identifiers: ClinVar variation 665180 (VCV000665180.10), dbSNP rs1580654670, ClinGen allele CA16032203.